The following is an entry in ClinVar:

NM_001378477.3(NYX):c.1115C>A (p.Thr372Asn)

Gene: NYX (nyctalopin; plus strand). Cytogenetic location: Xp11.4.
Variant type: single nucleotide variant.
Coding change: c.1115C>A on transcript NM_001378477.3 (MANE Select); coding-DNA position 1115, C replaced by A.
Protein change: p.Thr372Asn; replaces threonine 372 with asparagine.
Molecular consequence: missense variant.
Genome position (GRCh38, 1-based): chrX:41,474,583, C>A. VCF-style: chrX-41474583-C-A. GRCh37 (hg19) VCF-style: chrX-41333836-C-A.
Other names: c.1115C>A, p.Thr372Asn (NM_022567.3); short protein forms T372N.
Identifiers: ClinVar variation 2790665 (VCV002790665.3), dbSNP rs2519608725, ClinGen allele CA412992740.
Genomic context (GRCh38, chrX:41,474,583, plus strand): 5'-TCACCGACGTGCCGTGCGCCTCCCCGGGCTCCGTGGCCGGCCTGGACCTCAGCCAGGTGA[C>A]CTTCGGGCGCTCCTCCGATGGCCTCTGTGTGGACCCCGAGGAGCTGAACCTCACCACGTC-3'
Protein context (NP_001365406.2, residues 362-382): SVAGLDLSQV[Thr372Asn]FGRSSDGLCV

ClinVar aggregate classification (germline): Uncertain significance (1 of 4 stars; one submission).

Submission:

Labcorp Genetics (formerly Invitae), Labcorp
Classification: Uncertain significance. Last evaluated: 2023-05-11. Review status: criteria provided, single submitter. Criteria: Invitae Variant Classification Sherloc (09022015). Collection method: clinical testing. Allele origin: germline.
Comment: This sequence change replaces threonine, which is neutral and polar, with asparagine, which is neutral and polar, at codon 377 of the NYX protein (p.Thr377Asn). In summary, the available evidence is currently insufficient to determine the role of this variant in disease. Therefore, it has been classified as a Variant of Uncertain Significance. Advanced modeling of protein sequence and biophysical properties (such as structural, functional, and spatial information, amino acid conservation, physicochemical variation, residue mobility, and thermodynamic stability) performed at Invitae indicates that this missense variant is not expected to disrupt NYX protein function. This variant has not been reported in the literature in individuals affected with NYX-related conditions. This variant is not present in population databases (gnomAD no frequency).